The following is an entry in ClinVar:

ClinVar aggregate classification (germline): Uncertain significance (1 of 4 stars; one submission).

Conditions:
Mucopolysaccharidosis type 7 (MPS7). Also called: MPS VII; BETA-GLUCURONIDASE DEFICIENCY; GUSB DEFICIENCY; SLY SYNDROME. Identifiers: Orphanet 584, MedGen C0085132, MONDO:0009662, OMIM 253220.

Allele frequency attached by ClinVar (database versions not stated): gnomAD exomes below 0.00001.
gnomAD v4.1: 2 of 1,613,790 alleles (0.00012%); highest among the groups gnomAD compares: Non-Finnish European, 0.000085%; no homozygotes.

Submission:

Labcorp Genetics (formerly Invitae), Labcorp
Classification: Uncertain significance for Mucopolysaccharidosis type 7. Last evaluated: 2023-07-17. Review status: criteria provided, single submitter. Criteria: Invitae Variant Classification Sherloc (09022015). Collection method: clinical testing. Allele origin: germline.
Comment: This sequence change replaces isoleucine, which is neutral and non-polar, with leucine, which is neutral and non-polar, at codon 186 of the GUSB protein (p.Ile186Leu). This variant is not present in population databases (gnomAD no frequency). This variant has not been reported in the literature in individuals affected with GUSB-related conditions. Advanced modeling of protein sequence and biophysical properties (such as structural, functional, and spatial information, amino acid conservation, physicochemical variation, residue mobility, and thermodynamic stability) performed at Invitae indicates that this missense variant is not expected to disrupt GUSB protein function. In summary, the available evidence is currently insufficient to determine the role of this variant in disease. Therefore, it has been classified as a Variant of Uncertain Significance.

NM_000181.4(GUSB):c.556A>C (p.Ile186Leu)

Gene: GUSB (glucuronidase beta; minus strand). Cytogenetic location: 7q11.21.
Variant type: single nucleotide variant.
Coding change: c.556A>C on transcript NM_000181.4 (MANE Select); coding-DNA position 556, A replaced by C.
Protein change: p.Ile186Leu; replaces isoleucine 186 with leucine.
Molecular consequence: missense variant. On other transcripts: non-coding transcript variant (1), intron variant (3).
Genome position (GRCh38, 1-based): chr7:65,979,752, T>G on the plus strand (A>C on the coding strand, the complement: GUSB is on the minus strand). VCF-style: chr7-65979752-T-G. GRCh37 (hg19) VCF-style: chr7-65444739-T-G.
Other names: c.67+472A>C (NM_001293105.2); c.12-211A>C (NM_001293104.2); c.474+82A>C (NM_001284290.2); short protein forms I186L.
Identifiers: ClinVar variation 2741888 (VCV002741888.3), dbSNP rs1287279757, ClinGen allele CA367650054.